The following is an entry in ClinVar:

ClinVar aggregate classification (germline): Uncertain significance (1 of 4 stars; one submission).

Allele frequency attached by ClinVar (database versions not stated): gnomAD exomes below 0.00001; TOPMed 0.00001.
gnomAD v4.1: 1 of 1,211,127 alleles (0.000083%); highest among the groups gnomAD compares: Non-Finnish European, 0.00011%; no homozygotes.

Submission:

GeneDx
Classification: Uncertain significance. Last evaluated: 2017-10-13. Review status: criteria provided, single submitter. Criteria: GeneDx Variant Classification (06012015). Collection method: clinical testing. Allele origin: germline. Affected: yes.
Comment: The G180R variant in the FAM58A gene has not been reported previously as a pathogenic variant, nor as a benign variant, to our knowledge. The G180R variant is not observed in large population cohorts (Lek et al., 2016). The G180R variant is a non-conservative amino acid substitution, which is likely to impact secondary protein structure as these residues differ in polarity, charge, size and/or other properties. This substitution occurs at a position that is conserved across species. In silico analysis predicts this variant is probably damaging to the protein structure/function. We interpret G180R as a variant of uncertain significance.

NM_152274.5(CCNQ):c.538G>A (p.Gly180Arg)

Gene: CCNQ (cyclin Q; minus strand). Cytogenetic location: Xq28.
Variant type: single nucleotide variant.
Coding change: c.538G>A on transcript NM_152274.5 (MANE Select); coding-DNA position 538, G replaced by A.
Protein change: p.Gly180Arg; replaces glycine 180 with arginine.
Molecular consequence: missense variant.
Genome position (GRCh38, 1-based): chrX:153,592,625, C>T on the plus strand (G>A on the coding strand, the complement: CCNQ is on the minus strand). VCF-style: chrX-153592625-C-T. GRCh37 (hg19) VCF-style: chrX-152858083-C-T.
Other names: c.538G>A, p.Gly180Arg (NM_001130997.3); short protein forms G180R.
Identifiers: ClinVar variation 452544 (VCV000452544.2), dbSNP rs1557026069, ClinGen allele CA415087938.